The following is an entry in ClinVar:

ClinVar aggregate classification (germline): Pathogenic. Review status: reviewed by expert panel (3 of 4 stars). 2 submissions from 2 submitters: Pathogenic (1). 1 of the submissions does not count toward it. Last evaluated 2016-10-18.

Conditions:
Breast-ovarian cancer, familial, susceptibility to, 2 (BROVCA2). Also called: BRCA2 Hereditary Breast and Ovarian Cancer. Identifiers: Orphanet 145, MedGen C2675520, MONDO:0012933, OMIM 612555. Disease mechanism: loss of function.

Submissions (2):

Evidence-based Network for the Interpretation of Germline Mutant Alleles (ENIGMA)
Classification: Pathogenic for Breast-ovarian cancer, familial, susceptibility to, 2. Last evaluated: 2016-10-18. Review status: reviewed by expert panel. Criteria: ENIGMA BRCA1/2 Classification Criteria (2015). Collection method: curation. Allele origin: germline.
Comment: Variant allele predicted to encode a truncated non-functional protein.

Consortium of Investigators of Modifiers of BRCA1/2 (CIMBA), c/o University of Cambridge
Classification: Pathogenic for Breast-ovarian cancer, familial, susceptibility to, 2. Last evaluated: 2015-10-02. Review status: criteria provided, single submitter. Criteria: CIMBA Mutation Classification guidelines May 2016. Collection method: clinical testing. Allele origin: germline. Not counted in ClinVar's aggregate classification.

NM_000059.4(BRCA2):c.715dup (p.Ser239fs)

Gene: BRCA2 (BRCA2 DNA repair associated; plus strand). Cytogenetic location: 13q13.1.
Variant type: Duplication.
Coding change: c.715dup on transcript NM_000059.4 (MANE Select); coding-DNA position 715, one base duplicated (A; older notation c.715dupA).
Protein change: p.Ser239fs; shifts the reading frame from serine 239.
Molecular consequence: frameshift variant.
Genome position (GRCh38, 1-based): chr13:32,330,952, A duplicated; the last of 3 consecutive A bases (chr13:32,330,950-32,330,952); duplicating any one gives the same sequence. VCF-style (leftmost placement, unchanged base first): chr13-32330949-G-GA. GRCh37 (hg19) VCF-style: chr13-32905086-G-GA.
Other names: 943insA; short protein forms S239fs.
Identifiers: ClinVar variation 266988 (VCV000266988.7), dbSNP rs431825350, ClinGen allele CA10589042.